The following is an entry in ClinVar:

NM_130837.3(OPA1):c.1443dup (p.Gln482fs)

Gene: OPA1 (OPA1 mitochondrial dynamin like GTPase; plus strand). Cytogenetic location: 3q29.
Variant type: Duplication.
Coding change: c.1443dup on transcript NM_130837.3 (MANE Select); coding-DNA position 1443, one base duplicated (G; older notation c.1443dupG).
Protein change: p.Gln482fs; shifts the reading frame from glutamine 482.
Molecular consequence: frameshift variant.
Genome position (GRCh38, 1-based): chr3:193,643,593, G duplicated. VCF-style (leftmost placement, unchanged base first): chr3-193643592-T-TG. GRCh37 (hg19) VCF-style: chr3-193361381-T-TG.
Other names: c.909dup, p.Gln304fs (NM_001354663.2); c.906dup, p.Gln303fs (NM_001354664.2); c.1278dup, p.Gln427fs (NM_015560.3); c.1170dup, p.Gln391fs (NM_130831.3); c.1224dup, p.Gln409fs (NM_130832.3); c.1281dup, p.Gln428fs (NM_130833.3); c.1332dup, p.Gln445fs (NM_130834.3); c.1335dup, p.Gln446fs (NM_130835.3); and 1 more; short protein forms Q427fs, Q409fs, Q482fs, Q303fs, Q464fs, Q304fs, Q391fs, Q428fs.
Identifiers: ClinVar variation 1457942 (VCV001457942.6), dbSNP rs2109044547, ClinGen allele CA2573136854.

ClinVar aggregate classification (germline): Pathogenic (1 of 4 stars; one submission).

Submission:

Labcorp Genetics (formerly Invitae), Labcorp
Classification: Pathogenic. Last evaluated: 2022-09-01. Review status: criteria provided, single submitter. Criteria: Invitae Variant Classification Sherloc (09022015). Collection method: clinical testing. Allele origin: germline.
Comment: For these reasons, this variant has been classified as Pathogenic. This sequence change creates a premature translational stop signal (p.Gln427Alafs*4) in the OPA1 gene. It is expected to result in an absent or disrupted protein product. Loss-of-function variants in OPA1 are known to be pathogenic (PMID: 11440988, 20157015, 20952381, 25012220). This variant is not present in population databases (gnomAD no frequency). This variant has not been reported in the literature in individuals affected with OPA1-related conditions. ClinVar contains an entry for this variant (Variation ID: 1457942).

Literature cited by the submitters: PubMed 11440988; PubMed 20157015; PubMed 20952381; PubMed 25012220.